The following is an entry in ClinVar:

NM_004036.5(ADCY3):c.1840C>T (p.Arg614Trp)

Gene: ADCY3 (adenylate cyclase 3; minus strand). Cytogenetic location: 2p23.3.
Variant type: single nucleotide variant.
Coding change: c.1840C>T on transcript NM_004036.5 (MANE Select); coding-DNA position 1840, C replaced by T.
Protein change: p.Arg614Trp; replaces arginine 614 with tryptophan.
Molecular consequence: missense variant.
Genome position (GRCh38, 1-based): chr2:24,834,612, G>A on the plus strand (C>T on the coding strand, the complement: ADCY3 is on the minus strand). VCF-style: chr2-24834612-G-A. GRCh37 (hg19) VCF-style: chr2-25057481-G-A.
Other names: c.1840C>T, p.Arg614Trp (NM_001320613.2, NM_001377129.1, NM_001377130.1 and 1 more transcripts); c.1906C>T, p.Arg636Trp (NM_001377128.1); c.1117C>T, p.Arg373Trp (NM_001377131.1); short protein forms R373W, R614W, R636W.
Identifiers: ClinVar variation 2629163 (VCV002629163.3), dbSNP rs147621198, ClinGen allele CA1553979.

ClinVar aggregate classification (germline): Uncertain significance. Review status: criteria provided, single submitter (1 of 4 stars). 2 submissions from 2 submitters: Uncertain significance (1). 1 of the submissions does not count toward it. Last evaluated 2024-11-07.

Conditions:
ADCY3-related disorder. Also called: ADCY3-related condition.

Allele frequency attached by ClinVar (database versions not stated): gnomAD 0.00002; TOPMed 0.00002; ExAC 0.00007; 1000 Genomes Project 30x 0.00016; 1000 Genomes Project 0.00020.
gnomAD v4.1: 90 of 1,614,062 alleles (0.0056%); highest among the groups gnomAD compares: Middle Eastern, 0.016%; no homozygotes.

Submissions (2):

Blueprint Genetics
Classification: Uncertain significance. Last evaluated: 2024-11-07. Review status: criteria provided, single submitter. Criteria: ACMG Guidelines, 2015. Collection method: clinical testing. Allele origin: germline.

PreventionGenetics, part of Exact Sciences
Classification: Uncertain significance for ADCY3-related condition. Last evaluated: 2024-04-05. Review status: no assertion criteria provided. Collection method: clinical testing. Allele origin: germline. Not counted in ClinVar's aggregate classification.
Comment: The ADCY3 c.1840C>T variant is predicted to result in the amino acid substitution p.Arg614Trp. To our knowledge, this variant has not been reported in the literature. This variant is reported in 0.0092% of alleles in individuals of European (Finnish) descent in gnomAD. At this time, the clinical significance of this variant is uncertain due to the absence of conclusive functional and genetic evidence.